The following is an entry in ClinVar:

ClinVar aggregate classification (germline): Conflicting classifications of pathogenicity. Review status: criteria provided, conflicting classifications (1 of 4 stars). 2 submissions from 2 submitters: Uncertain significance (1); Likely benign (1). Last evaluated 2026-03-13.

Conditions:
Charcot-Marie-Tooth disease type 2. Also called: Charcot-Marie-Tooth type 2. Identifiers: Orphanet 64746, MedGen C0270914, MONDO:0018993.

Submissions (2):

Ambry Genetics
Classification: Likely benign. Last evaluated: 2026-03-13. Review status: criteria provided, single submitter. Criteria: Ambry Variant Classification Scheme 2023. Collection method: clinical testing. Allele origin: germline.

Labcorp Genetics (formerly Invitae), Labcorp
Classification: Uncertain significance for Charcot-Marie-Tooth disease type 2. Last evaluated: 2022-06-08. Review status: criteria provided, single submitter. Criteria: Invitae Variant Classification Sherloc (09022015). Collection method: clinical testing. Allele origin: germline.
Comment: This sequence change replaces valine, which is neutral and non-polar, with methionine, which is neutral and non-polar, at codon 828 of the KIF1B protein (p.Val828Met). This variant is not present in population databases (gnomAD no frequency). This variant has not been reported in the literature in individuals affected with KIF1B-related conditions. Algorithms developed to predict the effect of missense changes on protein structure and function output the following: SIFT: "Tolerated"; PolyPhen-2: "Benign"; Align-GVGD: "Class C0". The methionine amino acid residue is found in multiple mammalian species, which suggests that this missense change does not adversely affect protein function. In summary, the available evidence is currently insufficient to determine the role of this variant in disease. Therefore, it has been classified as a Variant of Uncertain Significance.

NM_001365951.3(KIF1B):c.2620G>A (p.Val874Met)

Gene: KIF1B (kinesin family member 1B; plus strand). Cytogenetic location: 1p36.22.
Variant type: single nucleotide variant.
Coding change: c.2620G>A on transcript NM_001365951.3 (MANE Select); coding-DNA position 2620, G replaced by A.
Protein change: p.Val874Met; replaces valine 874 with methionine.
Molecular consequence: missense variant.
Genome position (GRCh38, 1-based): chr1:10,324,840, G>A. VCF-style: chr1-10324840-G-A. GRCh37 (hg19) VCF-style: chr1-10384898-G-A.
Other names: c.2620G>A, p.Val874Met (NM_001365952.1); c.2482G>A, p.Val828Met (NM_015074.3); short protein forms V874M, V828M.
Identifiers: ClinVar variation 1934055 (VCV001934055.6), dbSNP rs2521630392, ClinGen allele CA338335710.